The following is an entry in ClinVar:

NM_000490.5(AVP):c.161G>T (p.Gly54Val)

Gene: AVP (arginine vasopressin; minus strand). Cytogenetic location: 20p13.
Variant type: single nucleotide variant.
Coding change: c.161G>T on transcript NM_000490.5 (MANE Select); coding-DNA position 161, G replaced by T.
Protein change: p.Gly54Val; replaces glycine 54 with valine.
Molecular consequence: missense variant.
Genome position (GRCh38, 1-based): chr20:3,083,138, C>A on the plus strand (G>T on the coding strand, the complement: AVP is on the minus strand). VCF-style: chr20-3083138-C-A. GRCh37 (hg19) VCF-style: chr20-3063784-C-A.
Other names: G23V; c.161G>T, p.Gly54Val (LRG_715t1); c.161G>T (NM_000490.4); short protein forms G54V.
Identifiers: ClinVar variation 12213 (VCV000012213.2), dbSNP rs121964887, ClinGen allele CA121961.

ClinVar aggregate classification (germline): Likely pathogenic. Review status: criteria provided, single submitter (1 of 4 stars). 2 submissions from 2 submitters: Likely pathogenic (1). 1 of the submissions does not count toward it. Last evaluated 2023-07-20.

Conditions:
Neurohypophyseal diabetes insipidus. Also called: Diabetes Insipidus, Neurogenic; Hereditary arginine vasopressin deficiency; DIABETES INSIPIDUS, PRIMARY CENTRAL. Identifiers: Orphanet 178029, Orphanet 30925, MedGen C0342394, MONDO:0007450, OMIM 125700.

Submissions (2):

GeneDx
Classification: Likely pathogenic. Last evaluated: 2023-07-20. Review status: criteria provided, single submitter. Criteria: GeneDx Variant Classification Process June 2021. Collection method: clinical testing. Allele origin: germline. Affected: yes.
Comment: Not observed at significant frequency in large population cohorts (gnomAD); In silico analysis supports that this missense variant has a deleterious effect on protein structure/function; This variant is associated with the following publications: (PMID: 10487710, 28008190, 9360520)

OMIM
Classification: Pathogenic for DIABETES INSIPIDUS, NEUROHYPOPHYSEAL. Last evaluated: 1999-09-01. Review status: no assertion criteria provided. Collection method: literature only. Allele origin: germline. Not counted in ClinVar's aggregate classification.

Literature cited by the submitters: PubMed 9360520 (cited by OMIM); PubMed 10487710 (cited by OMIM).